The following is an entry in ClinVar:

ClinVar aggregate classification (germline): Uncertain significance (1 of 4 stars; one submission).

Conditions:
Inborn genetic diseases. Identifiers: MedGen C0950123, MeSH D030342.

Submission:

Ambry Genetics
Classification: Uncertain significance for Inborn genetic diseases. Last evaluated: 2026-03-21. Review status: criteria provided, single submitter. Criteria: Ambry Variant Classification Scheme 2023. Collection method: clinical testing. Allele origin: germline.
Comment: The p.I1482N variant (also known as c.4445T>A), located in coding exon 30 of the ANKRD26 gene, results from a T to A substitution at nucleotide position 4445. The isoleucine at codon 1482 is replaced by asparagine, an amino acid with dissimilar properties. This amino acid position is conserved. In addition, this alteration is predicted to be tolerated by in silico analysis. Based on the available evidence, the clinical significance of this variant remains unclear.

NM_014915.3(ANKRD26):c.4445T>A (p.Ile1482Asn)

Gene: ANKRD26 (ankyrin repeat domain 26; minus strand). Cytogenetic location: 10p12.1.
Variant type: single nucleotide variant.
Coding change: c.4445T>A on transcript NM_014915.3 (MANE Select); coding-DNA position 4445, T replaced by A.
Protein change: p.Ile1482Asn; replaces isoleucine 1482 with asparagine.
Molecular consequence: missense variant.
Genome position (GRCh38, 1-based): chr10:27,017,563, A>T on the plus strand (T>A on the coding strand, the complement: ANKRD26 is on the minus strand). VCF-style: chr10-27017563-A-T. GRCh37 (hg19) VCF-style: chr10-27306492-A-T.
Other names: c.4442T>A, p.Ile1481Asn (NM_001256053.2); short protein forms I1481N, I1482N.
Identifiers: ClinVar variation 4858922 (VCV004858922.1).